The following is an entry in ClinVar:

ClinVar aggregate classification (germline): Uncertain significance (1 of 4 stars; one submission).

Submission:

Ambry Genetics
Classification: Uncertain significance. Last evaluated: 2025-03-07. Review status: criteria provided, single submitter. Criteria: Ambry Variant Classification Scheme 2023. Collection method: clinical testing. Allele origin: germline.
Comment: The p.A33V variant (also known as c.98C>T), located in coding exon 1 of the WNK2 gene, results from a C to T substitution at nucleotide position 98. The alanine at codon 33 is replaced by valine, an amino acid with similar properties. This amino acid position is conserved. In addition, this alteration is predicted to be tolerated by in silico analysis. Based on the available evidence, the clinical significance of this variant remains unclear.

NM_006648.4(WNK2):c.98C>T (p.Ala33Val)

Gene: WNK2 (WNK lysine deficient protein kinase 2; plus strand). Cytogenetic location: 9q22.31.
Variant type: single nucleotide variant.
Coding change: c.98C>T on transcript NM_006648.4 (MANE Select); coding-DNA position 98, C replaced by T.
Protein change: p.Ala33Val; replaces alanine 33 with valine.
Molecular consequence: missense variant.
Genome position (GRCh38, 1-based): chr9:93,185,027, C>T. VCF-style: chr9-93185027-C-T. GRCh37 (hg19) VCF-style: chr9-95947309-C-T.
Other names: c.98C>T, p.Ala33Val (NM_001282394.3); short protein forms A33V.
Identifiers: ClinVar variation 3817231 (VCV003817231.1).